The following is an entry in ClinVar:

NM_004370.6(COL12A1):c.5596C>T (p.His1866Tyr)

Gene: COL12A1 (collagen type XII alpha 1 chain; minus strand). Cytogenetic location: 6q13.
Variant type: single nucleotide variant.
Coding change: c.5596C>T on transcript NM_004370.6 (MANE Select); coding-DNA position 5596, C replaced by T.
Protein change: p.His1866Tyr; replaces histidine 1866 with tyrosine.
Molecular consequence: missense variant.
Genome position (GRCh38, 1-based): chr6:75,133,926, G>A on the plus strand (C>T on the coding strand, the complement: COL12A1 is on the minus strand). VCF-style: chr6-75133926-G-A. GRCh37 (hg19) VCF-style: chr6-75843642-G-A.
Other names: c.5596C>T, p.His1866Tyr (NM_001424113.1); c.5575C>T, p.His1859Tyr (NM_001424114.1); c.5323C>T, p.His1775Tyr (NM_001424115.1); c.2104C>T, p.His702Tyr (NM_001424116.1, NM_080645.3); short protein forms H1775Y, H1859Y, H1866Y, H702Y.
Identifiers: ClinVar variation 4078321 (VCV004078321.2).

ClinVar aggregate classification (germline): Uncertain significance. Review status: criteria provided, multiple submitters, no conflicts (2 of 4 stars). 2 submissions from 2 submitters: Uncertain significance (2). Last evaluated 2025-10-06.

Conditions:
Bethlem myopathy 2 (BTHLM2). Identifiers: Orphanet 536516, Orphanet 610, MedGen C4225313, MONDO:0034022, OMIM 616471.
Ullrich congenital muscular dystrophy 2 (UCMD2). Identifiers: Orphanet 75840, MedGen C4225314, MONDO:0014654, OMIM 616470.

gnomAD v4.1: 6 of 1,614,034 alleles (0.00037%); highest among the groups gnomAD compares: Non-Finnish European, 0.00051%; no homozygotes.

Submissions (2):

Labcorp Genetics (formerly Invitae), Labcorp
Classification: Uncertain significance for Bethlem myopathy 2; Ullrich congenital muscular dystrophy 2. Last evaluated: 2025-10-06. Review status: criteria provided, single submitter. Criteria: Invitae Variant Classification Sherloc (09022015). Collection method: clinical testing. Allele origin: germline.
Comment: This sequence change replaces histidine, which is basic and polar, with tyrosine, which is neutral and polar, at codon 1866 of the COL12A1 protein (p.His1866Tyr). This variant is present in population databases (no rsID available, gnomAD 0.0009%). This variant has not been reported in the literature in individuals affected with COL12A1-related conditions. Invitae Evidence Modeling of protein sequence and biophysical properties (such as structural, functional, and spatial information, amino acid conservation, physicochemical variation, residue mobility, and thermodynamic stability) indicates that this missense variant is not expected to disrupt COL12A1 protein function with a negative predictive value of 80%. In summary, the available evidence is currently insufficient to determine the role of this variant in disease. Therefore, it has been classified as a Variant of Uncertain Significance.

Revvity Omics, Revvity
Classification: Uncertain significance. Last evaluated: 2024-08-16. Review status: criteria provided, single submitter. Criteria: ACMG Guidelines, 2015. Collection method: clinical testing. Allele origin: germline.